The following is an entry in ClinVar:

ClinVar aggregate classification (germline): Conflicting classifications of pathogenicity. Review status: criteria provided, conflicting classifications (1 of 4 stars). 4 submissions from 4 submitters: Uncertain significance (2); Likely benign (2). Last evaluated 2026-09-01.

Conditions:
GATA3-related disorder. Also called: GATA3-related condition.
Hypoparathyroidism, deafness, renal disease syndrome (HDRS). Also called: HYPOPARATHYROIDISM, SENSORINEURAL DEAFNESS, AND RENAL DYSPLASIA SYNDROME. Identifiers: Orphanet 2237, MedGen C1840333, MONDO:0007797, OMIM 146255.

Allele frequency attached by ClinVar (database versions not stated): ExAC 0.00008; gnomAD 0.00025; TOPMed 0.00028; gnomAD exomes 0.00043.
gnomAD v4.1: 666 of 1,574,342 alleles (0.042%); highest among the groups gnomAD compares: Non-Finnish European, 0.054%; 1 homozygote.

Submissions (4):

CeGaT Center for Human Genetics Tuebingen
Classification: Likely benign. Last evaluated: 2026-09-01. Review status: criteria provided, single submitter. Criteria: CeGaT Center For Human Genetics Tuebingen Variant Classification Criteria Version 2. Collection method: clinical testing. Allele origin: germline. Affected: yes. Observed: 1 variant allele.
Comment: GATA3: BS1

Labcorp Genetics (formerly Invitae), Labcorp
Classification: Uncertain significance. Last evaluated: 2025-09-28. Review status: criteria provided, single submitter. Criteria: Invitae Variant Classification Sherloc (09022015). Collection method: clinical testing. Allele origin: germline.
Comment: This sequence change replaces histidine, which is basic and polar, with asparagine, which is neutral and polar, at codon 28 of the GATA3 protein (p.His28Asn). This variant is present in population databases (rs202045701, gnomAD 0.03%), and has an allele count higher than expected for a pathogenic variant. This variant has not been reported in the literature in individuals affected with GATA3-related conditions. ClinVar contains an entry for this variant (Variation ID: 2420246). An algorithm developed to predict the effect of missense changes on protein structure and function (PolyPhen-2) suggests that this variant is likely to be disruptive. In summary, the available evidence is currently insufficient to determine the role of this variant in disease. Therefore, it has been classified as a Variant of Uncertain Significance.

Fulgent Genetics
Classification: Likely benign for Hypoparathyroidism, deafness, renal disease syndrome. Last evaluated: 2024-03-26. Review status: criteria provided, single submitter. Criteria: ACMG Guidelines, 2015. Collection method: clinical testing. Allele origin: germline.

PreventionGenetics, part of Exact Sciences
Classification: Uncertain significance for GATA3-related condition. Last evaluated: 2023-02-22. Review status: criteria provided, single submitter. Criteria: ACMG Guidelines, 2015. Collection method: clinical testing. Allele origin: germline.
Comment: The GATA3 c.82C>A variant is predicted to result in the amino acid substitution p.His28Asn. To our knowledge, this variant has not been reported in the literature. This variant is reported in 0.033% of alleles in individuals of European (Non-Finnish) descent in gnomAD, which may be too common for an autosomal dominant disorder. Although we suspect that this variant may be benign, at this time, the clinical significance of this variant is uncertain due to the absence of conclusive functional and genetic evidence.

NM_001002295.2(GATA3):c.82C>A (p.His28Asn)

Gene: GATA3 (GATA binding protein 3; plus strand). Cytogenetic location: 10p14.
Variant type: single nucleotide variant.
Coding change: c.82C>A on transcript NM_001002295.2 (MANE Select); coding-DNA position 82, C replaced by A.
Protein change: p.His28Asn; replaces histidine 28 with asparagine.
Molecular consequence: missense variant.
Genome position (GRCh38, 1-based): chr10:8,055,737, C>A. VCF-style: chr10-8055737-C-A. GRCh37 (hg19) VCF-style: chr10-8097700-C-A.
Other names: c.82C>A (NM_001002295.1); c.82C>A, p.His28Asn (NM_002051.3); short protein forms H28N.
Identifiers: ClinVar variation 2420246 (VCV002420246.9), dbSNP rs202045701, ClinGen allele CA5404285.